The following is an entry in ClinVar:

ClinVar aggregate classification (germline): Uncertain significance (1 of 4 stars; one submission).

gnomAD v4.1: 1 of 1,613,834 alleles (0.000062%); highest among the groups gnomAD compares: African/African-American, 0.0013%; no homozygotes.

Submission:

Dasa
Classification: Uncertain significance. Last evaluated: 2025-10-29. Review status: criteria provided, single submitter. Criteria: DASA Assertion Criteria. Collection method: clinical testing. Allele origin: germline.
Comment: NM_020791.4(TAOK1):c.1265C>T (p.Pro422Leu) is a missense variant that results in the substitution of proline with leucine. This variant is rare in population databases. The currently available literature and clinical evidence are not sufficient to establish a definitive association between this variant and the reported condition. Therefore, this variant is classified as a variant of uncertain significance.

NM_020791.4(TAOK1):c.1265C>T (p.Pro422Leu)

Gene: TAOK1 (TAO kinase 1; plus strand). Cytogenetic location: 17q11.2.
Variant type: single nucleotide variant.
Coding change: c.1265C>T on transcript NM_020791.4 (MANE Select); coding-DNA position 1265, C replaced by T.
Protein change: p.Pro422Leu; replaces proline 422 with leucine.
Molecular consequence: missense variant.
Genome position (GRCh38, 1-based): chr17:29,502,650, C>T. VCF-style: chr17-29502650-C-T. GRCh37 (hg19) VCF-style: chr17-27829668-C-T.
Other names: c.1265C>T, p.Pro422Leu (NM_025142.1); short protein forms P422L.
Identifiers: ClinVar variation 4885965 (VCV004885965.2).